The following is an entry in ClinVar:

NM_001042492.3(NF1):c.3790G>T (p.Glu1264Ter)

Gene: NF1 (neurofibromin 1; plus strand). Cytogenetic location: 17q11.2.
Variant type: single nucleotide variant.
Coding change: c.3790G>T on transcript NM_001042492.3 (MANE Select); coding-DNA position 3790, G replaced by T.
Protein change: p.Glu1264Ter; replaces glutamic acid 1264 with a stop codon.
Molecular consequence: nonsense.
Genome position (GRCh38, 1-based): chr17:31,235,692, G>T. VCF-style: chr17-31235692-G-T. GRCh37 (hg19) VCF-style: chr17-29562710-G-T.
Other names: c.3790G>T, p.Glu1264Ter (NM_000267.4); short protein forms E1264*.
Identifiers: ClinVar variation 439986 (VCV000439986.14), dbSNP rs863224660, ClinGen allele CA398992616.
Genomic context (GRCh38, chr17:31,235,692, plus strand): 5'-GTTACTCTGTTTGATTCTCGGCATTTACTCTACCAACTGCTCTGGAACATGTTTTCTAAA[G>T]AAGTAGAATTGGCAGACTCCATGCAGACTCTCTTCCGAGGCAACAGCTTGGCCAGTAAAA-3'

ClinVar aggregate classification (germline): Pathogenic. Review status: criteria provided, multiple submitters, no conflicts (2 of 4 stars). 3 submissions from 3 submitters: Pathogenic (3). Last evaluated 2022-09-01.

Conditions:
Neurofibromatosis, type 1 (NF1). Also called: Neurofibromatosis, type I; Peripheral type neurofibromatosis; VON RECKLINGHAUSEN DISEASE; NEUROFIBROMATOSIS, TYPE I, SOMATIC. Identifiers: Orphanet 636, MedGen C0027831, MONDO:0018975, OMIM 162200. Disease mechanism: loss of function.

Submissions (3):

Labcorp Genetics (formerly Invitae), Labcorp
Classification: Pathogenic for Neurofibromatosis, type 1. Last evaluated: 2022-09-01. Review status: criteria provided, single submitter. Criteria: Invitae Variant Classification Sherloc (09022015). Collection method: clinical testing. Allele origin: germline.
Comment: For these reasons, this variant has been classified as Pathogenic. ClinVar contains an entry for this variant (Variation ID: 439986). This premature translational stop signal has been observed in individual(s) with neurofibromatosis type 1 (PMID: 33443663). This variant is not present in population databases (gnomAD no frequency). This sequence change creates a premature translational stop signal (p.Glu1264*) in the NF1 gene. It is expected to result in an absent or disrupted protein product. Loss-of-function variants in NF1 are known to be pathogenic (PMID: 10712197, 23913538).

Genome-Nilou Lab
Classification: Pathogenic for Neurofibromatosis, type 1. Last evaluated: 2022-03-15. Review status: criteria provided, single submitter. Criteria: ACMG Guidelines, 2015. Collection method: clinical testing. Allele origin: germline. Affected: no.

ARUP Laboratories, Molecular Genetics and Genomics, ARUP Laboratories
Classification: Pathogenic. Last evaluated: 2017-02-02. Review status: criteria provided, single submitter. Criteria: ARUP Molecular Germline Variant Investigation Process. Collection method: clinical testing. Allele origin: germline.

Literature cited by the submitters: PubMed 33443663 (cited by Labcorp Genetics (formerly Invitae), Labcorp); PubMed 10712197 (cited by Labcorp Genetics (formerly Invitae), Labcorp); PubMed 23913538 (cited by Labcorp Genetics (formerly Invitae), Labcorp).